The following is an entry in ClinVar:

ClinVar aggregate classification (germline): Pathogenic. Review status: criteria provided, multiple submitters, no conflicts (2 of 4 stars). 13 submissions from 13 submitters: Pathogenic (12). 1 of the submissions does not count toward it. Last evaluated 2026-04-01.

Conditions:
Familial colorectal cancer type X. Identifiers: Orphanet 440437, MedGen C3896578, MONDO:0018604.
Hereditary cancer-predisposing syndrome. Also called: Hereditary Cancer Syndrome; Neoplastic Syndromes, Hereditary; Tumor predisposition; Hereditary neoplastic syndrome. Identifiers: Orphanet 140162, MedGen C0027672, MeSH D009386, MONDO:0015356.
Gastric cancer. Also called: Stomach cancer; Malignant tumor of stomach. Identifiers: MedGen C0024623, MeSH D013274, MONDO:0001056, OMIM 613659, HP:0012126.
Ataxia-telangiectasia syndrome (AT). Also called: Cerebello-oculocutaneous telangiectasia; Immunodeficiency with ataxia telangiectasia; Ataxia-telangiectasia, complementation group E; Ataxia-telangiectasia, complementation group D; AT, COMPLEMENTATION GROUP C; ATAXIA-TELANGIECTASIA, COMPLEMENTATION GROUP A. Identifiers: Orphanet 100, MedGen C0004135, MONDO:0008840, OMIM 208900.
Familial cancer of breast. Also called: BREAST CANCER, FAMILIAL; Hereditary breast cancer; hereditary breast carcinoma. Identifiers: Orphanet 227535, MedGen C0346153, MONDO:0016419, OMIM 114480. Disease mechanism: loss of function.

Submissions (13):

CeGaT Center for Human Genetics Tuebingen
Classification: Pathogenic. Last evaluated: 2026-04-01. Review status: criteria provided, single submitter. Criteria: CeGaT Center For Human Genetics Tuebingen Variant Classification Criteria Version 2. Collection method: clinical testing. Allele origin: germline. Affected: yes. Observed: 1 variant allele.
Comment: ATM: PVS1, PM2

Dasa
Classification: Pathogenic. Last evaluated: 2026-02-24. Review status: criteria provided, single submitter. Criteria: DASA Assertion Criteria. Collection method: clinical testing. Allele origin: germline.
Comment: NM_000051.4(ATM):c.7671_7674del (p.Phe2558Leufs*5) is a frameshift variant in ATM predicted to alter the reading frame and introduce a premature termination codon and is predicted to result in an absent or altered protein product. Loss of function is an established disease mechanism for ATM (PMID: 3574400; PMID: 27595995; PMID: 15928302). This variant has been reported in individuals with ATM-related disorders (PMID: 8698354). Also, this variant is rare in population databases. Based on the currently available evidence, this variant is classified as pathogenic.

Labcorp Genetics (formerly Invitae), Labcorp
Classification: Pathogenic for Ataxia-telangiectasia syndrome. Last evaluated: 2026-01-13. Review status: criteria provided, single submitter. Criteria: Invitae Variant Classification Sherloc (09022015). Collection method: clinical testing. Allele origin: germline.
Comment: This sequence change creates a premature translational stop signal (p.Phe2558Leufs*5) in the ATM gene. It is expected to result in an absent or disrupted protein product. Loss-of-function variants in ATM are known to be pathogenic (PMID: 23807571, 25614872). This variant is not present in population databases (gnomAD no frequency). This premature translational stop signal has been observed in individual(s) with ataxia telangiectasia (PMID: 8698354). This variant is also known as a 4-bp deletion of cDNA positions 7857–7860. ClinVar contains an entry for this variant (Variation ID: 524343). For these reasons, this variant has been classified as Pathogenic.

Ambry Genetics
Classification: Pathogenic for Hereditary cancer-predisposing syndrome. Last evaluated: 2025-08-15. Review status: criteria provided, single submitter. Criteria: Ambry Variant Classification Scheme 2023. Collection method: clinical testing. Allele origin: germline.
Comment: The c.7671_7674delGTTT pathogenic mutation, located in coding exon 51 of the ATM gene, results from a deletion of 4 nucleotides at nucleotide positions 7671 to 7674, causing a translational frameshift with a predicted alternate stop codon (p.F2558Lfs*5). This alteration has been reported with a carrier frequency of 1 in 7051 unselected breast cancer patients and 0 in 11241 female controls of Japanese ancestry. (Momozawa Y et al. Nat Commun, 2018 10;9:4083). This variant is considered to be rare based on population cohorts in the Genome Aggregation Database (gnomAD). This alteration is expected to result in loss of function by premature protein truncation or nonsense-mediated mRNA decay. As such, this alteration is interpreted as a disease-causing mutation.

Natera, Inc.
Classification: Pathogenic for Ataxia-telangiectasia. Last evaluated: 2025-02-05. Review status: criteria provided, single submitter. Criteria: Natera Variant Classification Schema (03/2026). Collection method: clinical testing. Allele origin: germline.
Comment: The c.7671_7674delGTTT variant in ATM is a frameshift variant predicted to shift the reading frame beginning at codon 2558 and leads to a stop codon 5 codons downstream. This variant is expected to result in nonsense mediated decay, truncation, or a dysfunctional protein product. This variant is rare in the general population with a frequency below the threshold expected for the associated phenotype(s). This variant has been observed in one or more individuals affected with the associated recessive disease, as either homozygous or compound heterozygous with a second variant (PMID: 36324046). Additionally, this variant has been observed to segregate in affected family members (PMID: 36324046). Given the available evidence, this variant is classified as Pathogenic.

Quest Diagnostics Nichols Institute San Juan Capistrano
Classification: Pathogenic. Last evaluated: 2024-08-27. Review status: criteria provided, single submitter. Criteria: Quest Diagnostics criteria. Collection method: clinical testing. Allele origin: unknown.
Comment: The ATM c.7671_7674del (p.Phe2558Leufs*5) variant (also known as 7668del4, 7857_7860del4) alters the translational reading frame of the ATM mRNA and causes the premature termination of ATM protein synthesis. This variant has been reported in the published literature in individuals with breast cancer (PMID: 30287823 (2018)) and gastric cancer (PMID: 35171259 (2022)). It has also been reported in the homozygous state in individuals with ataxia-telangiectasia (PMIDs: 9887333 (1999), 8698354 (1996)). This variant has not been reported in large, multi-ethnic general populations (Genome Aggregation Database). Based on the available information, this variant is classified as pathogenic.

Centre for Inherited Metabolic Diseases, Karolinska University Hospital
Classification: Pathogenic for Ataxia-telangiectasia syndrome. Last evaluated: 2024-03-01. Review status: criteria provided, single submitter. Criteria: ACMG Guidelines, 2015. Collection method: clinical testing. Allele origin: inherited. Inheritance: Autosomal recessive inheritance. Affected: yes. Observed: 1 compound heterozygote.

Myriad Genetics, Inc.
Classification: Pathogenic for Familial cancer of breast. Last evaluated: 2024-01-31. Review status: criteria provided, single submitter. Criteria: Myriad Autosomal Dominant, Autosomal Recessive and X-Linked Classification Criteria (2023). Collection method: clinical testing. Allele origin: unknown.
Comment: This variant is considered pathogenic. This variant creates a frameshift predicted to result in premature protein truncation.

Baylor Genetics
Classification: Pathogenic for Familial cancer of breast. Last evaluated: 2023-08-28. Review status: criteria provided, single submitter. Criteria: ACMG Guidelines, 2015. Collection method: clinical testing. Allele origin: unknown.

Women's Health and Genetics/Laboratory Corporation of America, LabCorp
Classification: Pathogenic for Ataxia-telangiectasia syndrome. Last evaluated: 2023-07-02. Review status: criteria provided, single submitter. Criteria: LabCorp Variant Classification Summary - May 2015. Collection method: clinical testing. Allele origin: germline.
Comment: Variant summary: ATM c.7671_7674delGTTT (p.Phe2558LeufsX5) results in a premature termination codon, predicted to cause a truncation of the encoded protein or absence of the protein due to nonsense mediated decay, which are commonly known mechanisms for disease. Variants downstream of this position have been classified as pathogenic by our laboratory. The variant was absent in 251236 control chromosomes (gnomAD). c.7671_7674delGTTT has been reported in the literature in homozygous state in an individual affected with Ataxia-Telangiectasia (example: Baumer_1996). These data indicate that the variant is very likely to be associated with disease. The following publication has been ascertained in the context of this evaluation (PMID: 8698354). Five submitters have cited clinical-significance assessments for this variant to ClinVar after 2014. All submitters classified the variant as pathogenic. Based on the evidence outlined above, the variant was classified as pathogenic.

Department of Pathology and Laboratory Medicine, Sinai Health System
Classification: Pathogenic for Familial colorectal cancer type X. Last evaluated: 2022-08-17. Review status: criteria provided, single submitter. Criteria: ACMG Guidelines, 2015. Collection method: clinical testing. Allele origin: germline. Affected: yes.

Color Diagnostics, LLC DBA Color Health
Classification: Pathogenic for Hereditary cancer-predisposing syndrome. Last evaluated: 2020-01-15. Review status: criteria provided, single submitter. Criteria: ACMG Guidelines, 2015. Collection method: clinical testing. Allele origin: germline.
Comment: This variant deletes 4 nucleotides in exon 52 of the ATM gene, creating a frameshift and premature translation stop signal. This variant is expected to result in an absent or non-functional protein product. This variant has not been identified in the general population by the Genome Aggregation Database (gnomAD). Loss of ATM function is a known mechanism of disease. Based on the available evidence, this variant is classified as Pathogenic.

Laboratory for Genotyping Development, RIKEN
Classification: Pathogenic for Gastric cancer. Last evaluated: 2021-07-01. Review status: no assertion criteria provided. Collection method: research. Allele origin: germline. Not counted in ClinVar's aggregate classification.

Literature cited by the submitters: PubMed 8698354 (cited by 5 submitters); PubMed 3574400 (cited by Dasa); PubMed 27595995 (cited by Dasa); PubMed 15928302 (cited by Dasa); PubMed 23807571 (cited by Labcorp Genetics (formerly Invitae), Labcorp); PubMed 25614872 (cited by Labcorp Genetics (formerly Invitae), Labcorp); PubMed 30287823 (cited by Ambry Genetics and Quest Diagnostics Nichols Institute San Juan Capistrano); PubMed 36324046 (cited by Natera, Inc.); PubMed 35171259 (cited by Quest Diagnostics Nichols Institute San Juan Capistrano); PubMed 32427313 (cited by Quest Diagnostics Nichols Institute San Juan Capistrano); PubMed 9887333 (cited by Quest Diagnostics Nichols Institute San Juan Capistrano); PubMed 36988593 (cited by Laboratory for Genotyping Development, RIKEN).

NM_000051.4(ATM):c.7671_7674del (p.Phe2558fs)

Genes: ATM (ATM serine/threonine kinase; plus strand), C11orf65 (chromosome 11 open reading frame 65; minus strand). Cytogenetic location: 11q22.3.
Variant type: Deletion.
Coding change: c.7671_7674del on transcript NM_000051.4 (MANE Select); coding-DNA positions 7671 to 7674, 4 bases deleted (GTTT; older notation c.7671_7674delGTTT).
Protein change: p.Phe2558fs; shifts the reading frame from phenylalanine 2558.
Molecular consequence: frameshift variant. On other transcripts: intron variant (2).
Genome position (GRCh38, 1-based): chr11:108,331,920-108,331,923, GTTT deleted; deleting any 4 consecutive bases within chr11:108,331,917-108,331,923 gives the same sequence; the c. name uses the placement nearest the transcript's 3' end. VCF-style (leftmost placement, unchanged base first): chr11-108331916-CTTTG-C. GRCh37 (hg19) VCF-style: chr11-108202643-CTTTG-C.
Other names: c.7671_7674del, p.Phe2558fs (NM_001351834.2); c.641-22849_641-22846del (NM_001330368.2); c.*38+3300_*38+3303del (NM_001351110.2); c.7671_7674delGTTT, p.Phe2558Leufs (NM_000051.3); short protein forms F2558fs.
Identifiers: ClinVar variation 524343 (VCV000524343.55), dbSNP rs1555124506, ClinGen allele CA658797736.
Genomic context (GRCh38, chr11:108,331,916, plus strand): 5'-ATCTAATAGTTCTTTTCTTACAGCTAATCTCTAGAATTTCAATGGATCACCCCCATCACA[CTTTG>C]TTTATTATACTGGCCTTAGCAAATGCAAACAGAGATGAATTTCTGACTAAACCAGAGGTA-3'